The following is an entry in ClinVar:

NM_002047.4(GARS1):c.685AAG[1] (p.Lys230del)

Gene: GARS1 (glycyl-tRNA synthetase 1; plus strand). Cytogenetic location: 7p14.3.
Variant type: Microsatellite.
Coding change: c.685AAG[1] on transcript NM_002047.4 (MANE Select); one copy of the 3-base unit AAG starting at c.685; the reference has two copies in a row; one copy, 3 bases deleted.
Protein change: p.Lys230del; deletes lysine 230.
Molecular consequence: inframe deletion.
Genome position (GRCh38, 1-based): chr7:30,603,525-30,603,527, AAG deleted; deleting any 3 consecutive bases within chr7:30,603,522-30,603,527 gives the same sequence; the position shown is the placement nearest the transcript's 3' end. VCF-style (leftmost placement, unchanged base first): chr7-30603521-TAAG-T. GRCh37 (hg19) VCF-style: chr7-30643137-TAAG-T.
Other names: c.523AAG[1], p.Lys176del (NM_001316772.1); short protein forms K230del, K176del.
Identifiers: ClinVar variation 1981478 (VCV001981478.4), dbSNP rs772429001, ClinGen allele CA4205784.

ClinVar aggregate classification (germline): Uncertain significance (1 of 4 stars; one submission).

Conditions:
Charcot-Marie-Tooth disease type 2. Also called: Charcot-Marie-Tooth type 2. Identifiers: Orphanet 64746, MedGen C0270914, MONDO:0018993.

Submission:

Labcorp Genetics (formerly Invitae), Labcorp
Classification: Uncertain significance for Charcot-Marie-Tooth disease type 2. Last evaluated: 2022-04-23. Review status: criteria provided, single submitter. Criteria: Invitae Variant Classification Sherloc (09022015). Collection method: clinical testing. Allele origin: germline.
Comment: This variant, c.688_690del, results in the deletion of 1 amino acid(s) of the GARS protein (p.Lys230del), but otherwise preserves the integrity of the reading frame. This variant is present in population databases (rs772429001, gnomAD 0.0009%). In summary, the available evidence is currently insufficient to determine the role of this variant in disease. Therefore, it has been classified as a Variant of Uncertain Significance. Experimental studies and prediction algorithms are not available or were not evaluated, and the functional significance of this variant is currently unknown. This variant has not been reported in the literature in individuals affected with GARS-related conditions.